The following is an entry in ClinVar:

NM_014806.5(RUSC2):c.416C>G (p.Pro139Arg)

Gene: RUSC2 (RUN and SH3 domain containing 2; plus strand). Cytogenetic location: 9p13.3.
Variant type: single nucleotide variant.
Coding change: c.416C>G on transcript NM_014806.5 (MANE Select); coding-DNA position 416, C replaced by G.
Protein change: p.Pro139Arg; replaces proline 139 with arginine.
Molecular consequence: missense variant. On other transcripts: non-coding transcript variant (1), intron variant (1).
Genome position (GRCh38, 1-based): chr9:35,546,937, C>G. VCF-style: chr9-35546937-C-G. GRCh37 (hg19) VCF-style: chr9-35546934-C-G.
Other names: c.416C>G, p.Pro139Arg (NM_001135999.2); c.-620-8123C>G (NM_001330740.2); short protein forms P139R.
Identifiers: ClinVar variation 3678024 (VCV003678024.2).

ClinVar aggregate classification (germline): Uncertain significance (1 of 4 stars; one submission).

gnomAD v4.1: 2 of 1,573,378 alleles (0.00013%); no homozygotes.

Submission:

Labcorp Genetics (formerly Invitae), Labcorp
Classification: Uncertain significance. Last evaluated: 2024-09-30. Review status: criteria provided, single submitter. Criteria: Invitae Variant Classification Sherloc (09022015). Collection method: clinical testing. Allele origin: germline.
Comment: This sequence change replaces proline, which is neutral and non-polar, with arginine, which is basic and polar, at codon 139 of the RUSC2 protein (p.Pro139Arg). This variant is present in population databases (no rsID available, gnomAD 0.005%). This variant has not been reported in the literature in individuals affected with RUSC2-related conditions. An algorithm developed to predict the effect of missense changes on protein structure and function (PolyPhen-2) suggests that this variant is likely to be disruptive. In summary, the available evidence is currently insufficient to determine the role of this variant in disease. Therefore, it has been classified as a Variant of Uncertain Significance.